The following is an entry in ClinVar:

ClinVar aggregate classification (germline): Uncertain significance (1 of 4 stars; one submission).

Conditions:
Arrhythmogenic right ventricular cardiomyopathy (ARVD). Also called: Arrhythmogenic right ventricular dysplasia; Cardiomyopathy, ARVC; Arrhythmogenic cardiomyopathy; Arrhythmogenic Right Ventricular Cardiomyopathy (ARVC). Identifiers: Orphanet 247, MedGen C0349788, MeSH D019571, MONDO:0016587. Disease mechanism: loss of function. Inheritance: Various modes of inheritance.

gnomAD v4.1: 1 of 1,614,114 alleles (0.000062%); highest among the groups gnomAD compares: Admixed American, 0.0017%; no homozygotes.

Submission:

All of Us Research Program, National Institutes of Health
Classification: Uncertain significance for Arrhythmogenic right ventricular cardiomyopathy. Last evaluated: 2024-01-03. Review status: criteria provided, single submitter. Criteria: ACMG Guidelines, 2015. Collection method: clinical testing. Allele origin: germline. Inheritance: Autosomal dominant inheritance. Observed: 1 variant allele, 1 heterozygote.
Comment: This missense variant replaces serine with cysteine at codon 846 of the PKP2 protein. Computational prediction suggests that this variant may not impact protein structure and function (internally defined REVEL score threshold <= 0.5, PMID: 27666373). To our knowledge, functional studies have not been reported for this variant. This variant has not been reported in individuals affected with PKP2-related disorders in the literature. This variant has not been identified in the general population by the Genome Aggregation Database (gnomAD). The available evidence is insufficient to determine the role of this variant in disease conclusively. Therefore, this variant is classified as a Variant of Uncertain Significance.

This study involves interpretation of variants in research participants for the purpose of population health screening. Participant phenotype was not available at the time of variant classification. Additional details can be found in publication PMID: 35346344, PMCID: PMC8962531

NM_001005242.3(PKP2):c.2405C>G (p.Ser802Cys)

Gene: PKP2 (plakophilin 2; minus strand). Cytogenetic location: 12p11.21.
Variant type: single nucleotide variant.
Coding change: c.2405C>G on transcript NM_001005242.3 (MANE Select); coding-DNA position 2405, C replaced by G.
Protein change: p.Ser802Cys; replaces serine 802 with cysteine.
Molecular consequence: missense variant.
Genome position (GRCh38, 1-based): chr12:32,792,684, G>C on the plus strand (C>G on the coding strand, the complement: PKP2 is on the minus strand). VCF-style: chr12-32792684-G-C. GRCh37 (hg19) VCF-style: chr12-32945618-G-C.
Other names: c.2215C>G, p.Leu739Val (NM_001407155.1); c.2240C>G, p.Ser747Cys (NM_001407156.1); c.2078C>G, p.Ser693Cys (NM_001407158.1, NM_001407159.1); c.1888C>G, p.Leu630Val (NM_001407160.1); c.2537C>G, p.Ser846Cys (NM_004572.4); short protein forms L630V, L739V, S693C, S747C, S802C, S846C.
Identifiers: ClinVar variation 3075269 (VCV003075269.1), dbSNP rs768808114, ClinGen allele CA384356914.
Genomic context (GRCh38, chr12:32,792,684, plus strand): 5'-TTCCTTGTTCATGTTCTTACCTTCTTGTAGGCATGATGCAGTTCCGTGTGTGCCCACAGA[G>C]AATACAGAAGGACGGAAGCAGCTTTACTTGCTTTGTTGGAGGCATAGCTGAAAAGAAAAG-3'
Protein context (NP_001005242.2, residues 792-812): ASKAASVLLY[Ser802Cys]LWAHTELHHA